The following is an entry in ClinVar:

ClinVar aggregate classification (germline): Uncertain significance (1 of 4 stars; one submission).

Submission:

Ambry Genetics
Classification: Uncertain significance. Last evaluated: 2025-08-01. Review status: criteria provided, single submitter. Criteria: Ambry Variant Classification Scheme 2023. Collection method: clinical testing. Allele origin: germline.
Comment: The p.E1473Q variant (also known as c.4417G>C), located in coding exon 19 of the WNK2 gene, results from a G to C substitution at nucleotide position 4417. The glutamic acid at codon 1473 is replaced by glutamine, an amino acid with highly similar properties. This amino acid position is conserved. In addition, this alteration is predicted to be tolerated by in silico analysis. Based on the available evidence, the clinical significance of this variant remains unclear.

NM_006648.4(WNK2):c.4417G>C (p.Glu1473Gln)

Gene: WNK2 (WNK lysine deficient protein kinase 2; plus strand). Cytogenetic location: 9q22.31.
Variant type: single nucleotide variant.
Coding change: c.4417G>C on transcript NM_006648.4 (MANE Select); coding-DNA position 4417, G replaced by C.
Protein change: p.Glu1473Gln; replaces glutamic acid 1473 with glutamine.
Molecular consequence: missense variant.
Genome position (GRCh38, 1-based): chr9:93,289,171, G>C. VCF-style: chr9-93289171-G-C. GRCh37 (hg19) VCF-style: chr9-96051453-G-C.
Other names: c.4528G>C, p.Glu1510Gln (NM_001282394.3); short protein forms E1473Q, E1510Q.
Identifiers: ClinVar variation 4201695 (VCV004201695.1).
Genomic context (GRCh38, chr9:93,289,171, plus strand): 5'-CTAGCACCTTGCACTCCAGCTCCAGAGGCTGCCTCAACCAGGGACGCCAGTGCCCCAAGG[G>C]AGCCCCTGCCACCTCCTGCACCTGAGCCCAGCCCCCACAGCGGGACCCCACAGCCCGCCT-3'
Protein context (NP_006639.3, residues 1463-1483): ASTRDASAPR[Glu1473Gln]PLPPPAPEPS